The following is an entry in ClinVar:

ClinVar aggregate classification (germline): Benign (1 of 4 stars; one submission).

Allele frequency attached by ClinVar (database versions not stated): gnomAD exomes 0.43157; ESP Exome Variant Server 0.45678; gnomAD 0.47653; ExAC 0.47655; TOPMed 0.49663; 1000 Genomes Project 30x 0.57433; 1000 Genomes Project 0.57628.
gnomAD v4.1: 682,143 of 1,561,320 alleles (44%); highest among the groups gnomAD compares: East Asian, 77%; 155,246 homozygotes.

Submission:

Unidad de Genómica Garrahan, Hospital de Pediatría Garrahan
Classification: Benign. Last evaluated: 2024-01-24. Review status: criteria provided, single submitter. Criteria: ACMG Guidelines, 2015. Collection method: clinical testing. Allele origin: germline. Affected: no. Observed: 71 variant alleles.
Comment: This variant is classified as Benign based on local population frequency. This variant was detected in 75% of patients studied by a panel of primary immunodeficiencies. Number of patients: 71. Only high quality variants are reported.

NM_015122.3(FCHO1):c.920+38A>C

Gene: FCHO1 (FCH and mu domain containing endocytic adaptor 1; plus strand). Cytogenetic location: 19p13.11.
Variant type: single nucleotide variant.
Coding change: c.920+38A>C on transcript NM_015122.3 (MANE Select); 38 bases into the intron after coding-DNA position 920, A replaced by C.
Molecular consequence: intron variant.
Genome position (GRCh38, 1-based): chr19:17,774,516, A>C. VCF-style: chr19-17774516-A-C. GRCh37 (hg19) VCF-style: chr19-17885325-A-C.
Other names: c.920+38A>C (NM_001384370.1, NM_001384396.1, NM_001384404.1 and 25 more transcripts); c.845+38A>C (NM_001384390.1); c.770+38A>C (NM_001384406.1, NM_001384407.1, NM_001384384.1 and 3 more transcripts); c.875+38A>C (NM_001384403.1); c.881+38A>C (NM_001384388.1, NM_001384405.1, NM_001384389.1).
Identifiers: ClinVar variation 2687994 (VCV002687994.2), dbSNP rs2287857, ClinGen allele CA9300293.
Genomic context (GRCh38, chr19:17,774,516, plus strand): 5'-GAGCCAGAGCCACCTGCAGCTGTGTGAGGAAGCACCCCTGCCCGGTCTGGCCCAGGCTAG[A>C]CCGAGATCCCCTCCCCTGCCCAGGCTATCCCAGAAGTCCCCTCCTAGGATAGCCCAGGAG-3'